The following is an entry in ClinVar:

ClinVar aggregate classification (germline): Uncertain significance. Review status: criteria provided, multiple submitters, no conflicts (2 of 4 stars). 2 submissions from 2 submitters: Uncertain significance (2). Last evaluated 2021-10-14.

Conditions:
Renal-hepatic-pancreatic dysplasia 1 (RHPD1). Identifiers: MedGen C3715199, MONDO:0008833, OMIM 208540.
Nephronophthisis 3 (NPHP3). Also called: Adolescent nephronophthisis. Identifiers: Orphanet 655, MedGen C1858392, MONDO:0011456, OMIM 604387.
NPHP3-related Meckel-like syndrome. Also called: GOLDSTON SYNDROME; Meckel syndrome type 7. Identifiers: Orphanet 3032, MedGen C2673885, MONDO:0009966, OMIM 267010.
Nephronophthisis. Also called: Juvenile Nephronophthisis. Identifiers: Orphanet 655, MedGen C0687120, MONDO:0019005, HP:0000090.

Allele frequency attached by ClinVar (database versions not stated): gnomAD 0.00001; gnomAD exomes 0.00001 and 0.00002; ExAC 0.00002; TOPMed 0.00002.
gnomAD v4.1: 9 of 1,613,854 alleles (0.00056%); highest among the groups gnomAD compares: Non-Finnish European, 0.00068%; no homozygotes.

Submissions (2):

Fulgent Genetics
Classification: Uncertain significance for Renal-hepatic-pancreatic dysplasia 1; NPHP3-related Meckel-like syndrome; Nephronophthisis 3. Last evaluated: 2021-10-14. Review status: criteria provided, single submitter. Criteria: ACMG Guidelines, 2015. Collection method: clinical testing. Allele origin: unknown.

Labcorp Genetics (formerly Invitae), Labcorp
Classification: Uncertain significance for Nephronophthisis. Last evaluated: 2020-11-27. Review status: criteria provided, single submitter. Criteria: Invitae Variant Classification Sherloc (09022015). Collection method: clinical testing. Allele origin: germline.
Comment: This sequence change replaces glycine with arginine at codon 1300 of the NPHP3 protein (p.Gly1300Arg). The glycine residue is highly conserved and there is a moderate physicochemical difference between glycine and arginine. This variant is present in population databases (rs774681590, ExAC 0.004%). This variant has not been reported in the literature in individuals with NPHP3-related conditions. Algorithms developed to predict the effect of missense changes on protein structure and function are either unavailable or do not agree on the potential impact of this missense change (SIFT: "Deleterious"; PolyPhen-2: "Benign"; Align-GVGD: "Class C0"). Algorithms developed to predict the effect of sequence changes on RNA splicing suggest that this variant may create or strengthen a splice site, but this prediction has not been confirmed by published transcriptional studies. In summary, the available evidence is currently insufficient to determine the role of this variant in disease. Therefore, it has been classified as a Variant of Uncertain Significance.

NM_153240.5(NPHP3):c.3898G>A (p.Gly1300Arg)

Genes: NPHP3-ACAD11 (NPHP3-ACAD11 readthrough (NMD candidate); minus strand), NPHP3 (nephrocystin 3; minus strand). Cytogenetic location: 3q22.1.
Variant type: single nucleotide variant.
Coding change: c.3898G>A on transcript NM_153240.5 (MANE Select); coding-DNA position 3898, G replaced by A.
Protein change: p.Gly1300Arg; replaces glycine 1300 with arginine.
Molecular consequence: missense variant. On other transcripts: non-coding transcript variant (1).
Genome position (GRCh38, 1-based): chr3:132,682,005, C>T on the plus strand (G>A on the coding strand, the complement: NPHP3 is on the minus strand). VCF-style: chr3-132682005-C-T. GRCh37 (hg19) VCF-style: chr3-132400849-C-T.
Other names: short protein forms G1300R.
Identifiers: ClinVar variation 1512935 (VCV001512935.9), dbSNP rs774681590, ClinGen allele CA2621606.